The following is an entry in ClinVar:

ClinVar aggregate classification (germline): Conflicting classifications of pathogenicity. Review status: criteria provided, conflicting classifications (1 of 4 stars). 4 submissions from 4 submitters: Uncertain significance (3); Likely benign (1). Last evaluated 2025-10-20.

Conditions:
Epileptic encephalopathy. Identifiers: MedGen C0543888, HP:0200134.
Developmental and epileptic encephalopathy, 59. Also called: Early infantile epileptic encephalopathy 59. Identifiers: MedGen C4693550, MONDO:0033368, OMIM 617904.
Inborn genetic diseases. Identifiers: MedGen C0950123, MeSH D030342.

Allele frequency attached by ClinVar (database versions not stated): gnomAD 0.00003 and 0.00004; TOPMed 0.00004.

Submissions (4):

Labcorp Genetics (formerly Invitae), Labcorp
Classification: Likely benign for Epileptic encephalopathy. Last evaluated: 2025-10-20. Review status: criteria provided, single submitter. Criteria: Invitae Variant Classification Sherloc (09022015). Collection method: clinical testing. Allele origin: germline.

Ambry Genetics
Classification: Uncertain significance for Inborn genetic diseases. Last evaluated: 2024-11-11. Review status: criteria provided, single submitter. Criteria: Ambry Variant Classification Scheme 2023. Collection method: clinical testing. Allele origin: germline.

CeGaT Center for Human Genetics Tuebingen
Classification: Uncertain significance. Last evaluated: 2023-11-01. Review status: criteria provided, single submitter. Criteria: CeGaT Center For Human Genetics Tuebingen Variant Classification Criteria Version 2. Collection method: clinical testing. Allele origin: germline. Affected: yes. Observed: 1 variant allele.
Comment: GABBR2: PP2

Knight Diagnostic Laboratories, Oregon Health and Sciences University
Classification: Uncertain significance for Epileptic encephalopathy, early infantile, 59. Last evaluated: 2019-01-18. Review status: criteria provided, single submitter. Criteria: ACMG Guidelines, 2015. Collection method: clinical testing. Allele origin: germline. Observed: 1 variant allele.

NM_005458.8(GABBR2):c.56C>T (p.Pro19Leu)

Gene: GABBR2 (gamma-aminobutyric acid type B receptor subunit 2; minus strand). Cytogenetic location: 9q22.33.
Variant type: single nucleotide variant.
Coding change: c.56C>T on transcript NM_005458.8 (MANE Select); coding-DNA position 56, C replaced by T.
Protein change: p.Pro19Leu; replaces proline 19 with leucine.
Molecular consequence: missense variant.
Genome position (GRCh38, 1-based): chr9:98,708,682, G>A on the plus strand (C>T on the coding strand, the complement: GABBR2 is on the minus strand). VCF-style: chr9-98708682-G-A. GRCh37 (hg19) VCF-style: chr9-101470964-G-A.
Other names: short protein forms P19L.
Identifiers: ClinVar variation 571315 (VCV000571315.34), dbSNP rs1054346747, ClinGen allele CA196789587.